The following is an entry in ClinVar:

ClinVar aggregate classification (germline): Uncertain significance (1 of 4 stars; one submission).

Allele frequency attached by ClinVar (database versions not stated): gnomAD exomes below 0.00001; ExAC 0.00001.
gnomAD v4.1: 1 of 1,611,146 alleles (0.000062%); highest among the groups gnomAD compares: Non-Finnish European, 0.000085%; no homozygotes.

Submission:

Labcorp Genetics (formerly Invitae), Labcorp
Classification: Uncertain significance. Last evaluated: 2021-12-01. Review status: criteria provided, single submitter. Criteria: Invitae Variant Classification Sherloc (09022015). Collection method: clinical testing. Allele origin: germline.
Comment: This sequence change replaces glutamine, which is neutral and polar, with histidine, which is basic and polar, at codon 884 of the SLC12A1 protein (p.Gln884His). The frequency data for this variant in the population databases is considered unreliable, as metrics indicate poor data quality at this position in the gnomAD database. This variant has not been reported in the literature in individuals affected with SLC12A1-related conditions. Algorithms developed to predict the effect of missense changes on protein structure and function are either unavailable or do not agree on the potential impact of this missense change (SIFT: "Tolerated"; PolyPhen-2: "Possibly Damaging"; Align-GVGD: "Class C0"). In summary, the available evidence is currently insufficient to determine the role of this variant in disease. Therefore, it has been classified as a Variant of Uncertain Significance.

NM_000338.3(SLC12A1):c.2652G>C (p.Gln884His)

Gene: SLC12A1 (solute carrier family 12 member 1; plus strand). Cytogenetic location: 15q21.1.
Variant type: single nucleotide variant.
Coding change: c.2652G>C on transcript NM_000338.3 (MANE Select); coding-DNA position 2652, G replaced by C.
Protein change: p.Gln884His; replaces glutamine 884 with histidine.
Molecular consequence: missense variant.
Genome position (GRCh38, 1-based): chr15:48,288,065, G>C. VCF-style: chr15-48288065-G-C. GRCh37 (hg19) VCF-style: chr15-48580262-G-C.
Other names: c.2652G>C, p.Gln884His (NM_001184832.2, NM_001384136.1); short protein forms Q884H.
Identifiers: ClinVar variation 1470354 (VCV001470354.6), dbSNP rs779395482, ClinGen allele CA7547481.